The following is an entry in ClinVar:

ClinVar aggregate classification (germline): Uncertain significance (1 of 4 stars; one submission).

Conditions:
Hereditary cancer-predisposing syndrome. Also called: Tumor predisposition; Hereditary Cancer Syndrome; Neoplastic Syndromes, Hereditary; Hereditary neoplastic syndrome. Identifiers: Orphanet 140162, MedGen C0027672, MeSH D009386, MONDO:0015356.

Submission:

Color Diagnostics, LLC DBA Color Health
Classification: Uncertain significance for Hereditary cancer-predisposing syndrome. Last evaluated: 2025-07-10. Review status: criteria provided, single submitter. Criteria: ACMG Guidelines, 2015. Collection method: clinical testing. Allele origin: germline.
Comment: This missense variant replaces proline with leucine at codon 371 of the BRCA1 protein. Computational prediction is inconclusive regarding the impact of this variant on protein structure and function. To our knowledge, functional studies have not been reported for this variant. This variant has been detected in a breast cancer case-control meta-analysis in 0/60466 cases and 1/53461 unaffected individuals (PMID: 33471991Leiden Open Variation Database DB-ID BRCA1_006534). This variant has not been identified in the general population by the Genome Aggregation Database (gnomAD). The available evidence is insufficient to determine the role of this variant in disease conclusively. Therefore, this variant is classified as a Variant of Uncertain Significance.

Literature cited by the submitters: PubMed 33471991.

NM_007294.4(BRCA1):c.1112C>T (p.Pro371Leu)

Gene: BRCA1 (BRCA1 DNA repair associated; minus strand). Cytogenetic location: 17q21.31.
Variant type: single nucleotide variant.
Coding change: c.1112C>T on transcript NM_007294.4 (MANE Select); coding-DNA position 1112, C replaced by T.
Protein change: p.Pro371Leu; replaces proline 371 with leucine.
Molecular consequence: missense variant. On other transcripts: intron variant (137).
Genome position (GRCh38, 1-based): chr17:43,094,419, G>A on the plus strand (C>T on the coding strand, the complement: BRCA1 is on the minus strand). VCF-style: chr17-43094419-G-A. GRCh37 (hg19) VCF-style: chr17-41246436-G-A.
Other names: c.899C>T, p.Pro300Leu (NM_001407571.1, NM_001407853.1, NM_001407894.1 and 9 more transcripts); c.1112C>T, p.Pro371Leu (NM_001407581.1, NM_001407582.1, NM_001407583.1 and 30 more transcripts); c.1109C>T, p.Pro370Leu (NM_001407587.1, NM_001407590.1, NM_001407591.1 and 22 more transcripts); c.1103C>T, p.Pro368Leu (NM_001407646.1, NM_001407647.1); c.989C>T, p.Pro330Leu (NM_001407648.1, NM_001407664.1, NM_001407665.1 and 19 more transcripts); c.986C>T, p.Pro329Leu (NM_001407649.1, NM_001407670.1, NM_001407671.1 and 11 more transcripts); c.1034C>T, p.Pro345Leu (NM_001407653.1, NM_001407654.1, NM_001407655.1 and 4 more transcripts); c.1031C>T, p.Pro344Leu (NM_001407659.1, NM_001407660.1, NM_001407661.1 and 1 more transcripts); and 40 more; short protein forms P203L, P243L, P244L, P259L, P260L, P282L, P283L, P300L.
Identifiers: ClinVar variation 4757624 (VCV004757624.1).
Genomic context (GRCh38, chr17:43,094,419, plus strand): 5'-TCATCACTTCTGGAAAACCACTCATTAACTTTCTGAATGCTGCTATTTAGTGTTATCCAA[G>A]GAACATCTTCAGTATCTCTAGGATTCTCTGAGCATGGCAGTTTCTGCTTATTCCATTCTT-3'
Protein context (NP_009225.1, residues 361-381): SENPRDTEDV[Pro371Leu]WITLNSSIQK